The following is an entry in ClinVar:

ClinVar aggregate classification (germline): Uncertain significance (1 of 4 stars; one submission).

Conditions:
Familial thoracic aortic aneurysm and aortic dissection (TAAD). Also called: Thoracic aortic aneurysms and dissections. Identifiers: Orphanet 91387, MedGen C4707243, MONDO:0019625.

Submission:

Color Diagnostics, LLC DBA Color Health
Classification: Uncertain significance for Familial thoracic aortic aneurysm and aortic dissection. Last evaluated: 2024-03-06. Review status: criteria provided, single submitter. Criteria: ACMG Guidelines, 2015. Collection method: clinical testing. Allele origin: germline.
Comment: This missense variant replaces lysine with asparagine at codon 1260 of the MYH11 protein. Computational prediction is inconclusive regarding the impact of this variant on protein structure and function (internally defined REVEL score threshold 0.5 < inconclusive < 0.7, PMID: 27666373). To our knowledge, functional studies have not been reported for this variant. This variant has not been reported in individuals affected with cardiovascular disorders in the literature. This variant has not been identified in the general population by the Genome Aggregation Database (gnomAD). The available evidence is insufficient to determine the role of this variant in disease conclusively. Therefore, this variant is classified as a Variant of Uncertain Significance.

NM_002474.3(MYH11):c.3759G>C (p.Lys1253Asn)

Gene: MYH11 (myosin heavy chain 11; minus strand). Cytogenetic location: 16p13.11.
Variant type: single nucleotide variant.
Coding change: c.3759G>C on transcript NM_002474.3 (MANE Select); coding-DNA position 3759, G replaced by C.
Protein change: p.Lys1253Asn; replaces lysine 1253 with asparagine.
Molecular consequence: missense variant.
Genome position (GRCh38, 1-based): chr16:15,726,947, C>G on the plus strand (G>C on the coding strand, the complement: MYH11 is on the minus strand). VCF-style: chr16-15726947-C-G. GRCh37 (hg19) VCF-style: chr16-15820804-C-G.
Other names: c.3780G>C, p.Lys1260Asn (NM_001040113.2, NM_001040114.2); c.3759G>C, p.Lys1253Asn (NM_022844.3); short protein forms K1253N, K1260N.
Identifiers: ClinVar variation 1331837 (VCV001331837.4), dbSNP rs746842838, ClinGen allele CA394860123.